The following is an entry in ClinVar:

ClinVar aggregate classification (germline): Likely pathogenic. Review status: criteria provided, multiple submitters, no conflicts (2 of 4 stars). 2 submissions from 2 submitters: Likely pathogenic (2). Last evaluated 2017-02-07.

Conditions:
Severe myoclonic epilepsy in infancy (DRVT). Also called: Epileptic encephalopathy, early infantile, 6 (Dravet syndrome); Dravet syndrome; SEVERE MYOCLONIC EPILEPSY OF INFANCY; DEVELOPMENTAL AND EPILEPTIC ENCEPHALOPATHY 6A; Severe Myoclonic Epilepsy in Infancy (SMEI). Identifiers: Orphanet 33069, MedGen C0751122, MONDO:0100135, OMIM 607208.

Submissions (2):

GeneDx
Classification: Likely pathogenic. Last evaluated: 2017-02-07. Review status: criteria provided, single submitter. Criteria: GeneDx Variant Classification (06012015). Collection method: clinical testing. Allele origin: germline. Affected: yes.
Comment: A novel T1658P variant that is likely pathogenic has been identified in the SCN1A gene. TheT1658P variant has not been published as a pathogenic variant, nor has it been reported as abenign variant to our knowledge. It was not observed in approximately 6,500 individuals ofEuropean and African American ancestry in the NHLBI Exome Sequencing Project, indicating it isnot a common benign variant in these populations. The T1658P variant is a non-conservativeamino acid substitution, which is likely to impact secondary protein structure as these residuesdiffer in polarity, charge, size and/or other properties. This substitution occurs at a conservedposition predicted to be within the intracellular loop between the S4 and S5 transmembranesegments of the fourth homologous domain of the SCN1A protein. Different missense variants inthe same residue (T1658M, T1658R) as well as multiple missense variants in nearby residues havebeen reported in the Human Gene Mutation Database in association with SCN1A-relateddisorders (Stenson et al., 2014), supporting the functional importance of this region of the protein.In silico analysis predicts this variant is probably damaging to the protein structure/function.Therefore, this variant is likely pathogenic; however, the possibility that it is benign cannot beexcluded.

Lifecell International Pvt. Ltd
Classification: Likely pathogenic for Severe myoclonic epilepsy in infancy. Review status: criteria provided, single submitter. Criteria: ACMG Guidelines, 2015. Collection method: clinical testing. Allele origin: germline. Inheritance: Autosomal dominant inheritance. Affected: yes. Observed: 1 heterozygote.
Comment: A Heterozygous Missense variant c.4972A>C in Exon 29 of the SCN1A gene that results in the amino acid substitution p.Thr1658Pro was identified. The observed variant is novel in gnomAD exomes and genomes, respectively. The severity of the impact of this variant on the protein is high, based on the effect of the protein and REVEL score. Rare Exome Variant Ensemble Learner (REVEL) is an ensembl method for predicting the pathogenicity of missense variants based on a combination of scores from 13 individual tools: MutPred, FATHMM v2.3, VEST 3.0, PolyPhen-2, SIFT, PROVEAN, MutationAssessor, MutationTaster, LRT, GERP++, SiPhy, phyloP, and phastCons. The REVEL score for an individual missense variant can range from 0 to 1, with higher scores reflecting greater likelihood that the variant is disease-causing. ClinVar has also classified this variant as Likely Pathogenic [Variation ID: 420883]. A different missense mutation [p.Thr1658Lys] has been reported previously in patients affected with Dravet Syndrome (Sahli M, et.al., 2019). For these reasons, this variant has been classified as Likely Pathogenic.

Literature cited by the submitters: PubMed 31439038 (cited by Lifecell International Pvt. Ltd).

NM_001165963.4(SCN1A):c.4972A>C (p.Thr1658Pro)

Genes: SCN1A (sodium voltage-gated channel alpha subunit 1; minus strand), LOC102724058 (uncharacterized LOC102724058; plus strand). Cytogenetic location: 2q24.3.
Variant type: single nucleotide variant.
Coding change: c.4972A>C on transcript NM_001165963.4 (MANE Select); coding-DNA position 4972, A replaced by C.
Protein change: p.Thr1658Pro; replaces threonine 1658 with proline.
Molecular consequence: missense variant. On other transcripts: non-coding transcript variant (1).
Genome position (GRCh38, 1-based): chr2:165,992,303, T>G on the plus strand (A>C on the coding strand, the complement: SCN1A is on the minus strand). VCF-style: chr2-165992303-T-G. GRCh37 (hg19) VCF-style: chr2-166848813-T-G.
Other names: c.4888A>C, p.Thr1630Pro (NM_001165964.3, NM_001353957.2, NM_001353958.2); c.4972A>C, p.Thr1658Pro (NM_001202435.3, NM_001353948.2); c.4939A>C, p.Thr1647Pro (NM_001353949.2, NM_001353950.2, NM_001353951.2 and 2 more transcripts); c.4936A>C, p.Thr1646Pro (NM_001353954.2, NM_001353955.2); c.4885A>C, p.Thr1629Pro (NM_001353960.2); c.2530A>C, p.Thr844Pro (NM_001353961.2); short protein forms T1647P, T1658P, T1630P, T1646P, T1629P, T844P.
Identifiers: ClinVar variation 420883 (VCV000420883.4), dbSNP rs1064794766, ClinGen allele CA16617285.